The following is an entry in ClinVar:

ClinVar aggregate classification (germline): Uncertain significance (1 of 4 stars; one submission).

Conditions:
Fanconi anemia (FA). Also called: Fanconi's anemia. Identifiers: Orphanet 84, MedGen C0015625, MeSH D005199, MONDO:0019391.

gnomAD v4.1: 3 of 1,614,092 alleles (0.00019%); highest among the groups gnomAD compares: Non-Finnish European, 0.000085%; no homozygotes.

Submission:

Labcorp Genetics (formerly Invitae), Labcorp
Classification: Uncertain significance for Fanconi anemia. Last evaluated: 2025-07-22. Review status: criteria provided, single submitter. Criteria: Invitae Variant Classification Sherloc (09022015). Collection method: clinical testing. Allele origin: germline.
Comment: This sequence change replaces serine, which is neutral and polar, with phenylalanine, which is neutral and non-polar, at codon 673 of the SLX4 protein (p.Ser673Phe). This variant is not present in population databases (gnomAD no frequency). This variant has not been reported in the literature in individuals affected with SLX4-related conditions. An algorithm developed to predict the effect of missense changes on protein structure and function (PolyPhen-2) suggests that this variant is likely to be disruptive. In summary, the available evidence is currently insufficient to determine the role of this variant in disease. Therefore, it has been classified as a Variant of Uncertain Significance.

NM_032444.4(SLX4):c.2018C>T (p.Ser673Phe)

Gene: SLX4 (SLX4 structure-specific endonuclease subunit; minus strand). Cytogenetic location: 16p13.3.
Variant type: single nucleotide variant.
Coding change: c.2018C>T on transcript NM_032444.4 (MANE Select); coding-DNA position 2018, C replaced by T.
Protein change: p.Ser673Phe; replaces serine 673 with phenylalanine.
Molecular consequence: missense variant.
Genome position (GRCh38, 1-based): chr16:3,594,595, G>A on the plus strand (C>T on the coding strand, the complement: SLX4 is on the minus strand). VCF-style: chr16-3594595-G-A. GRCh37 (hg19) VCF-style: chr16-3644596-G-A.
Other names: short protein forms S673F.
Identifiers: ClinVar variation 4746521 (VCV004746521.1).